The following is an entry in ClinVar:

ClinVar aggregate classification (germline): Uncertain significance. Review status: criteria provided, multiple submitters, no conflicts (2 of 4 stars). 2 submissions from 2 submitters: Uncertain significance (2). Last evaluated 2024-05-19.

Conditions:
Mosaic variegated aneuploidy syndrome 3 (MVA3). Identifiers: MedGen C4539839, MONDO:0054736, OMIM 617598.

Allele frequency attached by ClinVar (database versions not stated): gnomAD exomes 0.00001 and 0.00002; TOPMed 0.00001; ExAC 0.00002.

Submissions (2):

Labcorp Genetics (formerly Invitae), Labcorp
Classification: Uncertain significance. Last evaluated: 2024-05-19. Review status: criteria provided, single submitter. Criteria: Invitae Variant Classification Sherloc (09022015). Collection method: clinical testing. Allele origin: germline.
Comment: This sequence change replaces aspartic acid, which is acidic and polar, with asparagine, which is neutral and polar, at codon 238 of the TRIP13 protein (p.Asp238Asn). This variant is present in population databases (rs769856470, gnomAD 0.01%). This variant has not been reported in the literature in individuals affected with TRIP13-related conditions. ClinVar contains an entry for this variant (Variation ID: 1031392). An algorithm developed to predict the effect of missense changes on protein structure and function (PolyPhen-2) suggests that this variant is likely to be tolerated. In summary, the available evidence is currently insufficient to determine the role of this variant in disease. Therefore, it has been classified as a Variant of Uncertain Significance.

Baylor Genetics
Classification: Uncertain significance for Mosaic variegated aneuploidy syndrome 3. Last evaluated: 2018-08-08. Review status: criteria provided, single submitter. Criteria: ACMG Guidelines, 2015. Collection method: clinical testing. Allele origin: paternal. Affected: yes.
Comment: This variant was determined to be of uncertain significance according to ACMG Guidelines, 2015 [PMID:25741868].

NM_004237.4(TRIP13):c.712G>A (p.Asp238Asn)

Gene: TRIP13 (thyroid hormone receptor interactor 13; plus strand). Cytogenetic location: 5p15.33.
Variant type: single nucleotide variant.
Coding change: c.712G>A on transcript NM_004237.4 (MANE Select); coding-DNA position 712, G replaced by A.
Protein change: p.Asp238Asn; replaces aspartic acid 238 with asparagine.
Molecular consequence: missense variant.
Genome position (GRCh38, 1-based): chr5:908,027, G>A. VCF-style: chr5-908027-G-A. GRCh37 (hg19) VCF-style: chr5-908142-G-A.
Other names: c.712G>A, p.Asp238Asn (NM_001166260.2); short protein forms D238N.
Identifiers: ClinVar variation 1031392 (VCV001031392.3), dbSNP rs769856470, ClinGen allele CA3179959.
Genomic context (GRCh38, chr5:908,027, plus strand): 5'-AAAAGGGTGTTTGGGTTCCAGAGTGGCAAGCTGGTAACCAAGATGTTTCAGAAGATTCAG[G>A]ATTTGATTGATGATAAAGACGCCCTGGTGTTCGTGCTGATTGATGAGGTAGGCATTTCCA-3'
Protein context (NP_004228.1, residues 228-248): LVTKMFQKIQ[Asp238Asn]LIDDKDALVF